The following is an entry in ClinVar:

NM_133330.3(NSD2):c.1676_1679del

Gene: NSD2 (nuclear receptor binding SET domain protein 2; plus strand). Cytogenetic location: 4p16.3.
Variant type: Microsatellite.
Coding change: c.1676_1679del on transcript NM_133330.3; coding-DNA positions 1676 to 1679, 4 bases deleted (GAGA; older notation c.1676_1679delGAGA).
Molecular consequence: splice acceptor variant.
Genome position (GRCh38, 1-based): chr4:1,938,452-1,938,455, GAGA deleted; deleting any 4 consecutive bases within chr4:1,938,449-1,938,455 gives the same sequence; the c. name uses the placement nearest the transcript's 3' end. VCF-style (leftmost placement, unchanged base first): chr4-1938448-TAGAG-T. GRCh37 (hg19) VCF-style: chr4-1940175-TAGAG-T.
Other names: c.1676_1679delGAGA (NM_133330.2, NM_001042424.2); c.1676_1679del (NM_001042424.3).
Identifiers: ClinVar variation 547999 (VCV000547999.60), dbSNP rs1553873247, ClinGen allele CA658779706.

ClinVar aggregate classification (germline): Pathogenic. Review status: criteria provided, multiple submitters, no conflicts (2 of 4 stars). 13 submissions from 13 submitters: Pathogenic (10). 3 of the submissions do not count toward it. Last evaluated 2025-08-18.

Conditions:
NSD2-related disorder. Also called: NSD2-related condition; NSD2 related disorders.
Rauch-Steindl syndrome (RAUST). Identifiers: Orphanet 659642, MedGen C5562061, MONDO:0859219, OMIM 619695.
Neurodevelopmental delay. Identifiers: MedGen C4022738, HP:0012758.
4p partial monosomy syndrome (WHS). Also called: PITT SYNDROME; Wolf-Hirschhorn syndrome; WITTWER SYNDROME; CHROMOSOME 4p16.3 DELETION SYNDROME. Identifiers: Orphanet 280, MedGen C1956097, MONDO:0008684, OMIM 194190.

Submissions (13):

Variantyx, Inc.
Classification: Pathogenic for Rauch-Steindl syndrome. Last evaluated: 2025-08-18. Review status: criteria provided, single submitter. Criteria: Variantyx Assertion Criteria 2022. Collection method: clinical testing. Allele origin: de novo. Inheritance: Autosomal dominant inheritance. Affected: yes.
Comment: This is a frameshift variant in the NSD2 gene (OMIM: 602952). Pathogenic variants in this gene have been associated with autosomal dominant Rauch-Steindl syndrome. This variant introduces a premature termination codon in exon 8 out of 22 and is expected to result in loss of function, which is a known disease mechanism for NSD2 in this disorder (PMID: 31171569) (PVS1). This variant has been reported in at least two unrelated affected individuals (PMID: 26785492, 31382906) (PS4_Moderate) and has a 0.0002% maximum allele frequency in non-founder control populations (PM2). Based on the current evidence, this variant is classified as pathogenic for autosomal dominant Rauch-Steindl syndrome.

Labcorp Genetics (formerly Invitae), Labcorp
Classification: Pathogenic. Last evaluated: 2025-07-02. Review status: criteria provided, single submitter. Criteria: Invitae Variant Classification Sherloc (09022015). Collection method: clinical testing. Allele origin: germline.
Comment: This sequence change creates a premature translational stop signal (p.Arg559Thrfs*38) in the WHSC1 gene. It is expected to result in an absent or disrupted protein product. Loss-of-function variants in WHSC1 are known to be pathogenic (PMID: 31171569). This variant is not present in population databases (gnomAD no frequency). This premature translational stop signal has been observed in individual(s) with Wolf-Hirschhorn-like syndrome (PMID: 26785492, 30345613). ClinVar contains an entry for this variant (Variation ID: 547999). Algorithms developed to predict the effect of sequence changes on RNA splicing suggest that this variant may disrupt the consensus splice site. For these reasons, this variant has been classified as Pathogenic.

GeneDx
Classification: Pathogenic. Last evaluated: 2024-12-11. Review status: criteria provided, single submitter. Criteria: GeneDx Variant Classification Process June 2021. Collection method: clinical testing. Allele origin: germline. Affected: yes.
Comment: Frameshift variant predicted to result in protein truncation or nonsense mediated decay in a gene for which loss of function is a known mechanism of disease; Not observed at significant frequency in large population cohorts (gnomAD); This variant is associated with the following publications: (PMID: 33144682, 30345613, 26785492, 38251460, 33084842, 32368696, 31941532)

MVZ Medizinische Genetik Mainz
Classification: Pathogenic for Rauch-Steindl syndrome. Last evaluated: 2024-03-15. Review status: criteria provided, single submitter. Criteria: UK Practice Guidelines For Variant Classification V4 01 2020. Collection method: clinical testing. Allele origin: germline. Inheritance: Autosomal dominant inheritance. Affected: yes. Observed: 1 variant allele.
Comment: ACMG Criteria: PVS1,PS4_MOD,PM6,PM2_SUP

New York Genome Center
Classification: Pathogenic for Rauch-Steindl syndrome. Last evaluated: 2022-10-26. Review status: criteria provided, single submitter. Criteria: NYGC Assertion Criteria 2020. Collection method: clinical testing. Allele origin: de novo. Affected: yes. Observed: 1 heterozygote. Study: PrenatalSEQ.
Comment: The de novo c.1676_1679del variant identified in the NSD2 gene has previously been reported as de novo variant in individuals with NSD2-related disorder with features of developmental delay, cardiac defects, and multiple congenital malformations [PMID: 30345613, 26785492, 33144682] and it has been deposited in ClinVar [ClinVar ID: 547999] as Pathogenic. The c.1676_1679del variant is observed in 1 allele (~0.00062% minor allele frequency with 0 homozygotes) in population databases (gnomAD v2.1.1 and v3.1.2, TOPMed Freeze 8, All of Us), suggesting it is not a common benign variant in the populations represented in those databases. The c.1676_1679del variant in NSD2 is located in exon 8 of this 22-exon gene, predicted to incorporate a premature termination codon approximately 38 amino acids downstream (p.(Arg559ThrfsTer38)), and is expected to result in loss-of-function via nonsense mediated decay. Multiple loss-of-function variants that are downstream to the c.1676_1679del variant have been reported in the literature [PMID: 31382906, 33941880] and ClinVar [ClinVar ID: 1333177] in individuals with Rauch-Steindl syndrome. Based on available evidence this de novo c.1676_1679del (p.(Arg559ThrfsTer38)), variant identified in NSD2 is classified here as Pathogenic.

Greenwood Genetic Center Diagnostic Laboratories, Greenwood Genetic Center
Classification: Pathogenic for Rauch-Steindl syndrome. Last evaluated: 2022-03-17. Review status: criteria provided, single submitter. Criteria: ACMG Guidelines, 2015. Collection method: clinical testing. Allele origin: germline. Affected: yes.
Comment: PVS2, PS2, PM2

CeGaT Center for Human Genetics Tuebingen
Classification: Pathogenic. Last evaluated: 2020-02-01. Review status: criteria provided, single submitter. Criteria: CeGaT Center For Human Genetics Tuebingen Variant Classification Criteria Version 2. Collection method: clinical testing. Allele origin: germline. Affected: yes. Observed: 1 variant allele.

Mayo Clinic Laboratories, Mayo Clinic
Classification: Pathogenic for 4p partial monosomy syndrome. Last evaluated: 2017-09-29. Review status: criteria provided, single submitter. Criteria: ACMG Guidelines, 2015. Collection method: clinical testing. Allele origin: de novo.

Centre de Biologie Pathologie Génétique, Centre Hospitalier Universitaire de Lille
Classification: Pathogenic for Neurodevelopmental delay. Review status: criteria provided, single submitter. Criteria: ACMG Guidelines, 2015. Collection method: clinical testing. Allele origin: de novo. Affected: yes.

Juno Genomics, Hangzhou Juno Genomics, Inc
Classification: Pathogenic for Rauch-Steindl syndrome. Review status: criteria provided, single submitter. Criteria: ACMG Guidelines, 2015. Collection method: clinical testing. Allele origin: germline. Affected: yes.
Comment: Absent from controls (or at extremely low frequency if recessive) in Genome Aggregation Database, Exome Sequencing Project, 1000 Genomes Project, or Exome Aggregation Consortium.;Null variant in a gene where loss of function (LOF) is a known mechanism of disease.;The prevalence of the variant in affected individuals is significantly increased compared to the prevalence in controls.;De novo (both maternity and paternity confirmed) in a patient with the disease and no family history.

PreventionGenetics, part of Exact Sciences
Classification: Likely pathogenic for NSD2-related condition. Last evaluated: 2024-08-14. Review status: no assertion criteria provided. Collection method: clinical testing. Allele origin: germline. Not counted in ClinVar's aggregate classification.
Comment: The NSD2 c.1676_1679delGAGA variant is predicted to result in a frameshift and premature protein termination (p.Arg559Thrfs*38). This variant was reported de novo in at least one individual with congenital heart disease (as 4:1940175 TAGAG>T in WHSC1; Dataset S2, Homsy et al. 2015. PubMed ID: 26785492; Dataset S2, Sevim Bayrak et al. 2020. PubMed ID: 31941532; Edwards et al. 2020. PubMed ID: 32368696; eTable 4, Morton et al. 2021. PubMed ID: 33084842) and also was reported de novo in at least one individual with developmental delays, mild facial dysmorphisms, short stature, failure to thrive, and microcephaly (as: c.1676_1679del (p.Arg559Tfs*38) in WHSC1; Boczek et al. 2018. PubMed ID: 30345613; Klee et al. 2020. PubMed ID: 33144682). This variant has not been reported in a large population database, indicating this variant is rare. Frameshift variants in NSD2 are expected to be pathogenic. This variant is interpreted as likely pathogenic.

OMIM
Classification: Pathogenic for RAUCH-STEINDL SYNDROME. Last evaluated: 2022-01-11. Review status: no assertion criteria provided. Collection method: literature only. Allele origin: germline. Not counted in ClinVar's aggregate classification.

Molecular Genetics laboratory, Necker Hospital
Classification: Pathogenic. Last evaluated: 2021-09-07. Review status: no assertion criteria provided. Collection method: clinical testing. Allele origin: de novo. Affected: yes. Not counted in ClinVar's aggregate classification.

Literature cited by the submitters: PubMed 31171569 (cited by Variantyx, Inc. and Labcorp Genetics (formerly Invitae), Labcorp); PubMed 26785492 (cited by 3 submitters); PubMed 31382906 (cited by Variantyx, Inc.); PubMed 30345613 (cited by 3 submitters); PubMed 33144682 (cited by New York Genome Center).